The following is an entry in ClinVar:

ClinVar aggregate classification (germline): Uncertain significance (1 of 4 stars; one submission).

gnomAD v4.1: 2 of 1,614,098 alleles (0.00012%); highest among the groups gnomAD compares: East Asian, 0.0022%; no homozygotes.

Submission:

Ambry Genetics
Classification: Uncertain significance. Last evaluated: 2025-02-07. Review status: criteria provided, single submitter. Criteria: Ambry Variant Classification Scheme 2023. Collection method: clinical testing. Allele origin: germline.
Comment: The p.S549F variant (also known as c.1646C>T), located in coding exon 8 of the ATRIP gene, results from a C to T substitution at nucleotide position 1646. The serine at codon 549 is replaced by phenylalanine, an amino acid with highly dissimilar properties. This amino acid position is conserved. In addition, the in silico prediction for this alteration is inconclusive. Based on the available evidence, the clinical significance of this variant remains unclear.

NM_130384.3(ATRIP):c.1646C>T (p.Ser549Phe)

Genes: ATRIP (ATR interacting protein; plus strand), ATRIP-TREX1 (ATRIP-TREX1 readthrough; plus strand). Cytogenetic location: 3p21.31.
Variant type: single nucleotide variant.
Coding change: c.1646C>T on transcript NM_130384.3 (MANE Select); coding-DNA position 1646, C replaced by T.
Protein change: p.Ser549Phe; replaces serine 549 with phenylalanine.
Molecular consequence: missense variant. On other transcripts: non-coding transcript variant (1).
Genome position (GRCh38, 1-based): chr3:48,460,700, C>T. VCF-style: chr3-48460700-C-T. GRCh37 (hg19) VCF-style: chr3-48502099-C-T.
Other names: c.1265C>T, p.Ser422Phe (NM_001271022.2); c.1367C>T, p.Ser456Phe (NM_001271023.2); c.1646C>T, p.Ser549Phe (NM_032166.4); short protein forms S549F, S422F, S456F.
Identifiers: ClinVar variation 3810549 (VCV003810549.1).